The following is an entry in ClinVar:

NM_006073.4(TRDN):c.1304C>T (p.Ala435Val)

Gene: TRDN (triadin; minus strand). Cytogenetic location: 6q22.31.
Variant type: single nucleotide variant.
Coding change: c.1304C>T on transcript NM_006073.4 (MANE Select); coding-DNA position 1304, C replaced by T.
Protein change: p.Ala435Val; replaces alanine 435 with valine.
Molecular consequence: missense variant.
Genome position (GRCh38, 1-based): chr6:123,366,152, G>A on the plus strand (C>T on the coding strand, the complement: TRDN is on the minus strand). VCF-style: chr6-123366152-G-A. GRCh37 (hg19) VCF-style: chr6-123687297-G-A.
Other names: c.1307C>T, p.Ala436Val (NM_001251987.2); short protein forms A435V, A436V.
Identifiers: ClinVar variation 532360 (VCV000532360.18), dbSNP rs370712881, ClinGen allele CA3984013.

ClinVar aggregate classification (germline): Conflicting classifications of pathogenicity. Review status: criteria provided, conflicting classifications (1 of 4 stars). 5 submissions from 5 submitters: Uncertain significance (4); Likely benign (1). Last evaluated 2026-08-04.

Conditions:
Catecholaminergic polymorphic ventricular tachycardia 1. Also called: VENTRICULAR TACHYCARDIA, STRESS-INDUCED POLYMORPHIC 1; RYR2-Related Catecholaminergic Polymorphic Ventricular Tachycardia; VENTRICULAR TACHYCARDIA, CATECHOLAMINERGIC POLYMORPHIC, 1, WITH OR WITHOUT ATRIAL DYSFUNCTION AND/OR DILATED CARDIOMYOPATHY. Identifiers: Orphanet 3286, MedGen C1631597, MONDO:0011484, OMIM 604772.
Catecholaminergic polymorphic ventricular tachycardia 5 (CARDAR). Also called: Ventricular tachycardia, catecholaminergic polymorphic, 5, with or without muscle weakness; CARDIAC ARRHYTHMIA SYNDROME, WITH OR WITHOUT SKELETAL MUSCLE WEAKNESS. Identifiers: Orphanet 3286, MedGen C3809536, MONDO:0014191, OMIM 615441.
Cardiovascular phenotype. Identifiers: MedGen CN230736.

Allele frequency attached by ClinVar (database versions not stated): ESP Exome Variant Server 0.00008; TOPMed 0.00010.
gnomAD v4.1: 79 of 1,612,256 alleles (0.0049%); highest among the groups gnomAD compares: Middle Eastern, 0.017%; no homozygotes.

Submissions (5):

GeneDx
Classification: Uncertain significance. Last evaluated: 2026-08-04. Review status: criteria provided, single submitter. Criteria: GeneDx Variant Classification Process June 2021. Collection method: clinical testing. Allele origin: germline.
Comment: Not observed at significant frequency in large population cohorts (gnomAD); In silico analysis suggests that this missense variant does not alter protein structure/function; Has not been previously published as pathogenic or benign to our knowledge

Ambry Genetics
Classification: Uncertain significance for Cardiovascular phenotype. Last evaluated: 2025-07-22. Review status: criteria provided, single submitter. Criteria: Ambry Variant Classification Scheme 2023. Collection method: clinical testing. Allele origin: germline.
Comment: The p.A435V variant (also known as c.1304C>T), located in coding exon 20 of the TRDN gene, results from a C to T substitution at nucleotide position 1304. The alanine at codon 435 is replaced by valine, an amino acid with similar properties. This amino acid position is well conserved in available vertebrate species. In addition, this alteration is predicted to be tolerated by in silico analysis. Since supporting evidence is limited at this time, the clinical significance of this alteration remains unclear.

Labcorp Genetics (formerly Invitae), Labcorp
Classification: Uncertain significance for Catecholaminergic polymorphic ventricular tachycardia 1. Last evaluated: 2024-05-22. Review status: criteria provided, single submitter. Criteria: Invitae Variant Classification Sherloc (09022015). Collection method: clinical testing. Allele origin: germline.
Comment: This sequence change replaces alanine, which is neutral and non-polar, with valine, which is neutral and non-polar, at codon 435 of the TRDN protein (p.Ala435Val). The frequency data for this variant in the population databases is considered unreliable, as metrics indicate poor data quality at this position in the gnomAD database. This variant has not been reported in the literature in individuals affected with TRDN-related conditions. ClinVar contains an entry for this variant (Variation ID: 532360). Advanced modeling of protein sequence and biophysical properties (such as structural, functional, and spatial information, amino acid conservation, physicochemical variation, residue mobility, and thermodynamic stability) performed at Invitae indicates that this missense variant is not expected to disrupt TRDN protein function with a negative predictive value of 80%. In summary, the available evidence is currently insufficient to determine the role of this variant in disease. Therefore, it has been classified as a Variant of Uncertain Significance.

Blueprint Genetics
Classification: Likely benign. Last evaluated: 2024-05-06. Review status: criteria provided, single submitter. Criteria: ACMG Guidelines, 2015. Collection method: clinical testing. Allele origin: germline.

Fulgent Genetics
Classification: Uncertain significance for Catecholaminergic polymorphic ventricular tachycardia 1; Catecholaminergic polymorphic ventricular tachycardia 5. Last evaluated: 2021-10-18. Review status: criteria provided, single submitter. Criteria: ACMG Guidelines, 2015. Collection method: clinical testing. Allele origin: unknown.